The following is an entry in ClinVar:

NM_006302.3(MOGS):c.397C>A (p.Leu133Ile)

Gene: MOGS (mannosyl-oligosaccharide glucosidase; minus strand). Cytogenetic location: 2p13.1.
Variant type: single nucleotide variant.
Coding change: c.397C>A on transcript NM_006302.3 (MANE Select); coding-DNA position 397, C replaced by A.
Protein change: p.Leu133Ile; replaces leucine 133 with isoleucine.
Molecular consequence: missense variant.
Genome position (GRCh38, 1-based): chr2:74,464,678, G>T on the plus strand (C>A on the coding strand, the complement: MOGS is on the minus strand). VCF-style: chr2-74464678-G-T. GRCh37 (hg19) VCF-style: chr2-74691805-G-T.
Other names: c.397C>A, p.Leu133Ile (LRG_1226t1); c.79C>A, p.Leu27Ile (NM_001146158.2); short protein forms L27I, L133I.
Identifiers: ClinVar variation 663142 (VCV000663142.8), dbSNP rs750032065, ClinGen allele CA1725038.

ClinVar aggregate classification (germline): Uncertain significance. Review status: criteria provided, multiple submitters, no conflicts (2 of 4 stars). 2 submissions from 2 submitters: Uncertain significance (2). Last evaluated 2025-10-21.

Conditions:
Inborn genetic diseases. Identifiers: MedGen C0950123, MeSH D030342.
MOGS-congenital disorder of glycosylation. Also called: CDG IIb; CDG 2B; GLUCOSIDASE I DEFICIENCY; MOGS-CDG. Identifiers: Orphanet 79330, MedGen C1853736, MONDO:0011629, OMIM 606056.

Allele frequency attached by ClinVar (database versions not stated): ExAC 0.00004; gnomAD exomes 0.00005; gnomAD 0.00001; TOPMed 0.00002.

Submissions (2):

Labcorp Genetics (formerly Invitae), Labcorp
Classification: Uncertain significance for MOGS-congenital disorder of glycosylation. Last evaluated: 2025-10-21. Review status: criteria provided, single submitter. Criteria: Invitae Variant Classification Sherloc (09022015). Collection method: clinical testing. Allele origin: germline.
Comment: This sequence change replaces leucine, which is neutral and non-polar, with isoleucine, which is neutral and non-polar, at codon 133 of the MOGS protein (p.Leu133Ile). This variant is present in population databases (rs750032065, gnomAD 0.01%). This variant has not been reported in the literature in individuals affected with MOGS-related conditions. ClinVar contains an entry for this variant (Variation ID: 663142). Invitae Evidence Modeling of protein sequence and biophysical properties (such as structural, functional, and spatial information, amino acid conservation, physicochemical variation, residue mobility, and thermodynamic stability) indicates that this missense variant is not expected to disrupt MOGS protein function with a negative predictive value of 80%. In summary, the available evidence is currently insufficient to determine the role of this variant in disease. Therefore, it has been classified as a Variant of Uncertain Significance.

Ambry Genetics
Classification: Uncertain significance for Inborn genetic diseases. Last evaluated: 2024-12-04. Review status: criteria provided, single submitter. Criteria: Ambry Variant Classification Scheme 2023. Collection method: clinical testing. Allele origin: germline.